The following is an entry in ClinVar:

ClinVar aggregate classification (germline): Conflicting classifications of pathogenicity. Review status: criteria provided, conflicting classifications (1 of 4 stars). 3 submissions from 3 submitters: Uncertain significance (2); Likely benign (1). Last evaluated 2025-11-13.

Conditions:
Inborn genetic diseases. Identifiers: MedGen C0950123, MeSH D030342.
Charcot-Marie-Tooth disease axonal type 2P. Also called: CHARCOT-MARIE-TOOTH NEUROPATHY, TYPE 2P; Charcot-Marie-Tooth Neuropathy Type 2G; CHARCOT-MARIE-TOOTH DISEASE, AXONAL, TYPE 2G; CMT 2G. Identifiers: Orphanet 300319, Orphanet 99941, MedGen C3280797, MONDO:0013753, OMIM 614436.

Allele frequency attached by ClinVar (database versions not stated): gnomAD 0.00007 and 0.00009; gnomAD exomes 0.00007 and 0.00016; TOPMed 0.00009; ExAC 0.00014.

Submissions (3):

Labcorp Genetics (formerly Invitae), Labcorp
Classification: Likely benign for Charcot-Marie-Tooth disease axonal type 2P. Last evaluated: 2025-11-13. Review status: criteria provided, single submitter. Criteria: Invitae Variant Classification Sherloc (09022015). Collection method: clinical testing. Allele origin: germline.

Ambry Genetics
Classification: Uncertain significance for Inborn genetic diseases. Last evaluated: 2020-07-21. Review status: criteria provided, single submitter. Criteria: Ambry Variant Classification Scheme 2023. Collection method: clinical testing. Allele origin: germline.
Comment: The p.A591V variant (also known as c.1772C>T), located in coding exon 21 of the LRSAM1 gene, results from a C to T substitution at nucleotide position 1772. The alanine at codon 591 is replaced by valine, an amino acid with similar properties. This amino acid position is highly conserved in available vertebrate species. In addition, this alteration is predicted to be deleterious by in silico analysis. Since supporting evidence is limited at this time, the clinical significance of this alteration remains unclear.

Illumina Laboratory Services, Illumina
Classification: Uncertain significance for Charcot-Marie-Tooth disease axonal type 2P. Last evaluated: 2018-01-12. Review status: criteria provided, single submitter. Criteria: ICSL Variant Classification Criteria 13 December 2019. Collection method: clinical testing. Allele origin: germline.

NM_001005373.4(LRSAM1):c.1772C>T (p.Ala591Val)

Gene: LRSAM1 (leucine rich repeat and sterile alpha motif containing 1; plus strand). Cytogenetic location: 9q33.3.
Variant type: single nucleotide variant.
Coding change: c.1772C>T on transcript NM_001005373.4 (MANE Select); coding-DNA position 1772, C replaced by T.
Protein change: p.Ala591Val; replaces alanine 591 with valine.
Molecular consequence: missense variant. On other transcripts: non-coding transcript variant (2).
Genome position (GRCh38, 1-based): chr9:127,496,037, C>T. VCF-style: chr9-127496037-C-T. GRCh37 (hg19) VCF-style: chr9-130258316-C-T.
Other names: c.1772C>T (NM_138361.4); c.1772C>T, p.Ala591Val (NM_001005374.4, NM_001384142.1, NM_138361.5); c.1691C>T, p.Ala564Val (NM_001190723.3); c.1673C>T, p.Ala558Val (NM_001384143.1); c.983C>T, p.Ala328Val (NM_001384144.1); short protein forms A591V, A564V, A328V, A558V.
Identifiers: ClinVar variation 365031 (VCV000365031.18), dbSNP rs139344911, ClinGen allele CA5247123.